The following is an entry in ClinVar:

NM_032043.3(BRIP1):c.1705G>C (p.Gly569Arg)

Gene: BRIP1 (BRCA1 interacting DNA helicase 1; minus strand). Cytogenetic location: 17q23.2.
Variant type: single nucleotide variant.
Coding change: c.1705G>C on transcript NM_032043.3 (MANE Select); coding-DNA position 1705, G replaced by C.
Protein change: p.Gly569Arg; replaces glycine 569 with arginine.
Molecular consequence: missense variant.
Genome position (GRCh38, 1-based): chr17:61,780,929, C>G on the plus strand (G>C on the coding strand, the complement: BRIP1 is on the minus strand). VCF-style: chr17-61780929-C-G. GRCh37 (hg19) VCF-style: chr17-59858290-C-G.
Other names: short protein forms G569R.
Identifiers: ClinVar variation 530303 (VCV000530303.11), dbSNP rs1259933364, ClinGen allele CA400480423.
Genomic context (GRCh38, chr17:61,780,929, plus strand): 5'-GCACATGAACTGCAGTTTTCTGTCGTGAACGTTTCTTATTTTTTGGTAGAACCAACAACC[C>G]ATTTTTGTCTGAAATATCAATCTGATTTGTCCAGGAGTAAGTCTGTTGAATCGCAATTTT-3'
Protein context (NP_114432.2, residues 559-579): TNQIDISDKN[Gly569Arg]LLVLPKNKKR

ClinVar aggregate classification (germline): Uncertain significance. Review status: criteria provided, multiple submitters, no conflicts (2 of 4 stars). 3 submissions from 3 submitters: Uncertain significance (3). Last evaluated 2025-08-23.

Conditions:
Fanconi anemia complementation group J. Also called: BRIP1-Related Fanconi Anemia. Identifiers: Orphanet 84, MedGen C1836860, MONDO:0012187, OMIM 609054.
Familial cancer of breast. Also called: BREAST CANCER, FAMILIAL; hereditary breast carcinoma; Hereditary breast cancer. Identifiers: Orphanet 227535, MedGen C0346153, MONDO:0016419, OMIM 114480. Disease mechanism: loss of function.
Hereditary cancer-predisposing syndrome. Also called: Neoplastic Syndromes, Hereditary; Hereditary neoplastic syndrome; Tumor predisposition; Hereditary Cancer Syndrome. Identifiers: Orphanet 140162, MedGen C0027672, MeSH D009386, MONDO:0015356.

Submissions (3):

Ambry Genetics
Classification: Uncertain significance for Hereditary cancer-predisposing syndrome. Last evaluated: 2025-08-23. Review status: criteria provided, single submitter. Criteria: Ambry Variant Classification Scheme 2023. Collection method: clinical testing. Allele origin: germline.

Department of Human Genetics, Hannover Medical School
Classification: Uncertain significance for Familial cancer of breast. Last evaluated: 2024-07-04. Review status: criteria provided, single submitter. Criteria: ACMG Guidelines, 2015. Collection method: clinical testing. Allele origin: germline. Inheritance: Autosomal dominant inheritance. Affected: yes.

Labcorp Genetics (formerly Invitae), Labcorp
Classification: Uncertain significance for Familial cancer of breast; Fanconi anemia complementation group J. Last evaluated: 2017-12-12. Review status: criteria provided, single submitter. Criteria: Invitae Variant Classification Sherloc (09022015). Collection method: clinical testing. Allele origin: germline.
Comment: In summary, the available evidence is currently insufficient to determine the role of this variant in disease. Therefore, it has been classified as a Variant of Uncertain Significance. Algorithms developed to predict the effect of missense changes on protein structure and function (SIFT, PolyPhen-2, Align-GVGD) all suggest that this variant is likely to be disruptive, but these predictions have not been confirmed by published functional studies and their clinical significance is uncertain. This variant has not been reported in the literature in individuals with BRIP1-related disease. This variant is not present in population databases (ExAC no frequency). This sequence change replaces glycine with arginine at codon 569 of the BRIP1 protein (p.Gly569Arg). The glycine residue is highly conserved and there is a moderate physicochemical difference between glycine and arginine.